The following is an entry in ClinVar:

NM_001038.6(SCNN1A):c.69del (p.Asn24fs)

Gene: SCNN1A (sodium channel epithelial 1 subunit alpha; minus strand). Cytogenetic location: 12p13.31.
Variant type: Deletion.
Coding change: c.69del on transcript NM_001038.6 (MANE Select); coding-DNA position 69, one base deleted (G; older notation c.69delG).
Protein change: p.Asn24fs; shifts the reading frame from asparagine 24.
Molecular consequence: frameshift variant.
Genome position (GRCh38, 1-based): chr12:6,374,715, C deleted on the plus strand (G on the coding strand, the reverse complement: SCNN1A is on the minus strand); the first of 4 consecutive C bases (chr12:6,374,715-6,374,718); deleting any one gives the same sequence. VCF-style (leftmost placement, unchanged base first): chr12-6374714-TC-T. GRCh37 (hg19) VCF-style: chr12-6483880-TC-T.
Other names: c.138del, p.Asn47fs (NM_001159575.2); c.246del, p.Asn83fs (NM_001159576.2); short protein forms N47fs, N83fs, N24fs.
Identifiers: ClinVar variation 591450 (VCV000591450.3), dbSNP rs1565488675, ClinGen allele CA891862937.

ClinVar aggregate classification (germline): Likely pathogenic. Review status: criteria provided, single submitter (1 of 4 stars). 2 submissions from 2 submitters: Likely pathogenic (1). 1 of the submissions does not count toward it. Last evaluated 2021-06-30.

Conditions:
Pseudohypoaldosteronism, type IB1, autosomal recessive. Also called: Pseudohypoaldosteronism, Type I, Autosomal Recessive; Pseudohypoaldosteronism, Type I, Recessive; Autosomal recessive pseudohypoaldosteronism type 1; PHA I, AUTOSOMAL RECESSIVE. Identifiers: Orphanet 171876, Orphanet 756, MedGen C5774176, MONDO:0009917, OMIM 264350.
Liddle syndrome 3. Identifiers: MedGen C4748292, MONDO:0029132, OMIM 618126.
Bronchiectasis with or without elevated sweat chloride 2 (BESC2). Identifiers: Orphanet 60033, MedGen C2751666, MONDO:0013087, OMIM 613021.

Submissions (2):

Fulgent Genetics
Classification: Likely pathogenic for Pseudohypoaldosteronism, type IB1, autosomal recessive; Bronchiectasis with or without elevated sweat chloride 2; Liddle syndrome 3. Last evaluated: 2021-06-30. Review status: criteria provided, single submitter. Criteria: ACMG Guidelines, 2015. Collection method: clinical testing. Allele origin: unknown.
Comment: This variant has been detected in individual(s) who were sent for testing of Renasight - kidney gene panel.

Gharavi Laboratory, Columbia University
Classification: Uncertain significance. Last evaluated: 2018-09-16. Review status: no assertion criteria provided. Criteria: ACMG Guidelines, 2015. Collection method: research. Allele origin: germline. Affected: yes. Not counted in ClinVar's aggregate classification.